The following is an entry in ClinVar:

NM_024741.3(ZNF408):c.1111C>T (p.His371Tyr)

Gene: ZNF408 (zinc finger protein 408; plus strand). Cytogenetic location: 11p11.2.
Variant type: single nucleotide variant.
Coding change: c.1111C>T on transcript NM_024741.3 (MANE Select); coding-DNA position 1111, C replaced by T.
Protein change: p.His371Tyr; replaces histidine 371 with tyrosine.
Molecular consequence: missense variant.
Genome position (GRCh38, 1-based): chr11:46,704,811, C>T. VCF-style: chr11-46704811-C-T. GRCh37 (hg19) VCF-style: chr11-46726361-C-T.
Other names: c.1087C>T, p.His363Tyr (NM_001184751.2); short protein forms H363Y, H371Y.
Identifiers: ClinVar variation 1902917 (VCV001902917.5), dbSNP rs776195593, ClinGen allele CA5966498.

ClinVar aggregate classification (germline): Uncertain significance (1 of 4 stars; one submission).

Allele frequency attached by ClinVar (database versions not stated): gnomAD 0.00001.

Submission:

Labcorp Genetics (formerly Invitae), Labcorp
Classification: Uncertain significance. Last evaluated: 2025-07-27. Review status: criteria provided, single submitter. Criteria: Invitae Variant Classification Sherloc (09022015). Collection method: clinical testing. Allele origin: germline.
Comment: This sequence change replaces histidine, which is basic and polar, with tyrosine, which is neutral and polar, at codon 371 of the ZNF408 protein (p.His371Tyr). This variant is present in population databases (rs776195593, gnomAD 0.06%). This variant has not been reported in the literature in individuals affected with ZNF408-related conditions. ClinVar contains an entry for this variant (Variation ID: 1902917). An algorithm developed to predict the effect of missense changes on protein structure and function (PolyPhen-2) suggests that this variant is likely to be disruptive. In summary, the available evidence is currently insufficient to determine the role of this variant in disease. Therefore, it has been classified as a Variant of Uncertain Significance.